The following is an entry in ClinVar:

ClinVar aggregate classification (germline): Likely pathogenic. Review status: criteria provided, single submitter (1 of 4 stars). 2 submissions from 2 submitters: Likely pathogenic (1). 1 of the submissions does not count toward it. Last evaluated 2025-05-12.

Conditions:
Neutropenia, severe congenital, 1, autosomal dominant. Identifiers: MedGen C1859966, MONDO:0042490, OMIM 202700.
Cyclical neutropenia. Also called: Cyclic hematopoiesis; Cyclic Neutropenia. Identifiers: Orphanet 2686, MedGen C0221023, MONDO:0008090, OMIM 162800, HP:0040289. Disease mechanism: loss of function.

Submissions (2):

Labcorp Genetics (formerly Invitae), Labcorp
Classification: Likely pathogenic for Neutropenia, severe congenital, 1, autosomal dominant; Cyclical neutropenia. Last evaluated: 2025-05-12. Review status: criteria provided, single submitter. Criteria: Invitae Variant Classification Sherloc (09022015). Collection method: clinical testing. Allele origin: germline.
Comment: This sequence change replaces cysteine, which is neutral and slightly polar, with arginine, which is basic and polar, at codon 55 of the ELANE protein (p.Cys55Arg). This variant is not present in population databases (gnomAD no frequency). This missense change has been observed in individual(s) with neutropenia (PMID: 36734404; internal data). ClinVar contains an entry for this variant (Variation ID: 2156128). Invitae Evidence Modeling of protein sequence and biophysical properties (such as structural, functional, and spatial information, amino acid conservation, physicochemical variation, residue mobility, and thermodynamic stability) indicates that this missense variant is expected to disrupt ELANE protein function with a positive predictive value of 95%. This variant disrupts the p.Cys55 amino acid residue in ELANE. Other variant(s) that disrupt this residue have been determined to be pathogenic (PMID: 11675333, 31009763). This suggests that this residue is clinically significant, and that variants that disrupt this residue are likely to be disease-causing. In summary, the currently available evidence indicates that the variant is pathogenic, but additional data are needed to prove that conclusively. Therefore, this variant has been classified as Likely Pathogenic.

Laboratory of Immunopathology and Genetics, Medical Laboratory of Pediatric Oncology and Hematology, Central Clinical Hospital of the Medical University of Lodz
Classification: Pathogenic for Neutropenia, severe congenital, 1, autosomal dominant. Last evaluated: 2024-12-01. Review status: no assertion criteria provided. Collection method: clinical testing. Allele origin: germline. Affected: yes. Observed: 1 variant allele. Not counted in ClinVar's aggregate classification.

Literature cited by the submitters: PubMed 36734404 (cited by Labcorp Genetics (formerly Invitae), Labcorp); PubMed 11675333 (cited by Labcorp Genetics (formerly Invitae), Labcorp and Laboratory of Immunopathology and Genetics, Medical Laboratory of Pediatric Oncology and Hematology, Central Clinical Hospital of the Medical University of Lodz); PubMed 31009763 (cited by Labcorp Genetics (formerly Invitae), Labcorp).

NM_001972.4(ELANE):c.163T>C (p.Cys55Arg)

Gene: ELANE (elastase, neutrophil expressed; plus strand). Cytogenetic location: 19p13.3.
Variant type: single nucleotide variant.
Coding change: c.163T>C on transcript NM_001972.4 (MANE Select); coding-DNA position 163, T replaced by C.
Protein change: p.Cys55Arg; replaces cysteine 55 with arginine.
Molecular consequence: missense variant.
Genome position (GRCh38, 1-based): chr19:852,971, T>C. VCF-style: chr19-852971-T-C. GRCh37 (hg19) VCF-style: chr19-852971-T-C.
Other names: short protein forms C55R.
Identifiers: ClinVar variation 2156128 (VCV002156128.5), dbSNP rs2512164548, ClinGen allele CA402914674.